The following is an entry in ClinVar:

ClinVar aggregate classification (germline): Uncertain significance (1 of 4 stars; one submission).

gnomAD v4.1: 14 of 1,613,408 alleles (0.00087%); highest among the groups gnomAD compares: South Asian, 0.0055%; no homozygotes.

Submission:

CeGaT Center for Human Genetics Tuebingen
Classification: Uncertain significance. Last evaluated: 2026-08-01. Review status: criteria provided, single submitter. Criteria: CeGaT Center For Human Genetics Tuebingen Variant Classification Criteria Version 2. Collection method: clinical testing. Allele origin: germline. Affected: yes. Observed: 1 variant allele.
Comment: TTN: PM2, BP4

NM_001267550.2(TTN):c.85664C>T (p.Thr28555Met)

Genes: TTN (titin; minus strand), TTN-AS1 (TTN antisense RNA 1; plus strand). Cytogenetic location: 2q31.2.
Variant type: single nucleotide variant.
Coding change: c.85664C>T on transcript NM_001267550.2 (MANE Select); coding-DNA position 85664, C replaced by T.
Protein change: p.Thr28555Met; replaces threonine 28555 with methionine.
Molecular consequence: missense variant.
Genome position (GRCh38, 1-based): chr2:178,560,468, G>A on the plus strand (C>T on the coding strand, the complement: TTN is on the minus strand). VCF-style: chr2-178560468-G-A. GRCh37 (hg19) VCF-style: chr2-179425195-G-A.
Other names: c.80741C>T, p.Thr26914Met (NM_001256850.1); c.58469C>T, p.Thr19490Met (NM_003319.4); c.77960C>T, p.Thr25987Met (NM_133378.4); c.58844C>T, p.Thr19615Met (NM_133432.3); c.59045C>T, p.Thr19682Met (NM_133437.4); short protein forms T19490M, T19615M, T19682M, T25987M, T26914M, T28555M.
Identifiers: ClinVar variation 5039432 (VCV005039432.1).